The following is an entry in ClinVar:

ClinVar aggregate classification (germline): Uncertain significance. Review status: criteria provided, multiple submitters, no conflicts (2 of 4 stars). 2 submissions from 2 submitters: Uncertain significance (2). Last evaluated 2025-08-18.

Conditions:
Hypogonadotropic hypogonadism 5 with or without anosmia (KAL5). Also called: HYPOGONADOTROPIC HYPOGONADISM 5 WITH ANOSMIA; HYPOGONADOTROPHIC HYPOGONADISM 5 WITHOUT ANOSMIA; CHD7-Related GnRH Deficiency (Kallmann Syndrome 5). Identifiers: Orphanet 478, MedGen C3552553, MONDO:0012880, OMIM 612370. Disease mechanism: loss of function.
CHARGE syndrome (CHARGE). Also called: Hittner Hirsch Kreh syndrome; CHARGE ASSOCIATION--COLOBOMA, HEART ANOMALY, CHOANAL ATRESIA, RETARDATION, GENITAL AND EAR ANOMALIES; Coloboma, heart anomaly, choanal atresia, retardation, genital and ear anomalies; CHARGE association; Hall-Hittner syndrome. Identifiers: Orphanet 138, MedGen C0265354, MONDO:0008965.

Allele frequency attached by ClinVar (database versions not stated): gnomAD exomes below 0.00001; gnomAD 0.00001; TOPMed 0.00001.
gnomAD v4.1: 2 of 1,613,832 alleles (0.00012%); highest among the groups gnomAD compares: African/African-American, 0.0013%; no homozygotes.

Submissions (2):

Labcorp Genetics (formerly Invitae), Labcorp
Classification: Uncertain significance for CHARGE syndrome. Last evaluated: 2025-08-18. Review status: criteria provided, single submitter. Criteria: Invitae Variant Classification Sherloc (09022015). Collection method: clinical testing. Allele origin: germline.
Comment: This sequence change replaces aspartic acid, which is acidic and polar, with glycine, which is neutral and non-polar, at codon 776 of the CHD7 protein (p.Asp776Gly). This variant is not present in population databases (gnomAD no frequency). This variant has not been reported in the literature in individuals affected with CHD7-related conditions. ClinVar contains an entry for this variant (Variation ID: 2993349). Invitae Evidence Modeling of protein sequence and biophysical properties (such as structural, functional, and spatial information, amino acid conservation, physicochemical variation, residue mobility, and thermodynamic stability) indicates that this missense variant is not expected to disrupt CHD7 protein function with a negative predictive value of 95%. In summary, the available evidence is currently insufficient to determine the role of this variant in disease. Therefore, it has been classified as a Variant of Uncertain Significance.

Fulgent Genetics
Classification: Uncertain significance for CHD7-related CHARGE syndrome; Hypogonadotropic hypogonadism 5 with or without anosmia. Last evaluated: 2024-02-22. Review status: criteria provided, single submitter. Criteria: ACMG Guidelines, 2015. Collection method: clinical testing. Allele origin: germline.

NM_017780.4(CHD7):c.2327A>G (p.Asp776Gly)

Gene: CHD7 (chromodomain helicase DNA binding protein 7; plus strand). Cytogenetic location: 8q12.2.
Variant type: single nucleotide variant.
Coding change: c.2327A>G on transcript NM_017780.4 (MANE Select); coding-DNA position 2327, A replaced by G.
Protein change: p.Asp776Gly; replaces aspartic acid 776 with glycine.
Molecular consequence: missense variant. On other transcripts: intron variant (1).
Genome position (GRCh38, 1-based): chr8:60,800,476, A>G. VCF-style: chr8-60800476-A-G. GRCh37 (hg19) VCF-style: chr8-61713035-A-G.
Other names: c.1716+19426A>G (NM_001316690.1); short protein forms D776G.
Identifiers: ClinVar variation 2993349 (VCV002993349.4), dbSNP rs1812250218, ClinGen allele CA371300522.
Genomic context (GRCh38, chr8:60,800,476, plus strand): 5'-GAAAGCGCTACACTGAAGACCTGGAGTTCAAGATTTCTGATGAGGAGGCAGATGATGCAG[A>G]TGCTGCTGGGAGGGATTCCCCCTCCAACACCTCCCAGTCAGAACAGCAGGTTAGTACCAG-3'
Protein context (NP_060250.2, residues 766-786): KISDEEADDA[Asp776Gly]AAGRDSPSNT